The following is an entry in ClinVar:

ClinVar aggregate classification (germline): Uncertain significance. Review status: criteria provided, multiple submitters, no conflicts (2 of 4 stars). 2 submissions from 2 submitters: Uncertain significance (2). Last evaluated 2022-09-22.

Conditions:
Charcot-Marie-Tooth disease type 4. Also called: Charcot-Marie-Tooth disease, type IV; Charcot-Marie-Tooth, Type 4. Identifiers: Orphanet 64749, MedGen C4082197, MONDO:0018995.

Allele frequency attached by ClinVar (database versions not stated): TOPMed 0.00001.
gnomAD v4.1: 73 of 1,613,136 alleles (0.0045%); highest among the groups gnomAD compares: Non-Finnish European, 0.0059%; no homozygotes.

Submissions (2):

GeneDx
Classification: Uncertain significance. Last evaluated: 2022-09-22. Review status: criteria provided, single submitter. Criteria: GeneDx Variant Classification Process June 2021. Collection method: clinical testing. Allele origin: germline. Affected: yes.
Comment: Not observed at a significant frequency in large population cohorts (gnomAD); In silico analysis, which includes protein predictors and evolutionary conservation, supports a deleterious effect; In-silico analysis is inconclusive as to whether the variant alters gene splicing. In the absence of RNA/functional studies, the actual effect of this sequence change is unknown.; Has not been previously published as pathogenic or benign to our knowledge; This variant is associated with the following publications: (PMID: 23962696)

Labcorp Genetics (formerly Invitae), Labcorp
Classification: Uncertain significance for Charcot-Marie-Tooth disease type 4. Last evaluated: 2017-08-15. Review status: criteria provided, single submitter. Criteria: Invitae Variant Classification Sherloc (09022015). Collection method: clinical testing. Allele origin: germline.
Comment: In summary, the available evidence is currently insufficient to determine the role of this variant in disease. Therefore, it has been classified as a Variant of Uncertain Significance. Algorithms developed to predict the effect of missense changes on protein structure and function do not agree on the potential impact of this missense change (SIFT: "Deleterious"; PolyPhen-2: "Benign"; Align-GVGD: "Class C15"). This variant has not been reported in the literature in individuals with MTMR2-related disease. This variant is not present in population databases (ExAC no frequency). This sequence change replaces arginine with glycine at codon 119 of the MTMR2 protein (p.Arg119Gly). The arginine residue is moderately conserved and there is a moderate physicochemical difference between arginine and glycine.

NM_016156.6(MTMR2):c.355C>G (p.Arg119Gly)

Gene: MTMR2 (myotubularin related protein 2; minus strand). Cytogenetic location: 11q21.
Variant type: single nucleotide variant.
Coding change: c.355C>G on transcript NM_016156.6 (MANE Select); coding-DNA position 355, C replaced by G.
Protein change: p.Arg119Gly; replaces arginine 119 with glycine.
Molecular consequence: missense variant.
Genome position (GRCh38, 1-based): chr11:95,862,274, G>C on the plus strand (C>G on the coding strand, the complement: MTMR2 is on the minus strand). VCF-style: chr11-95862274-G-C. GRCh37 (hg19) VCF-style: chr11-95595438-G-C.
Other names: c.139C>G, p.Arg47Gly (NM_001243571.2, NM_201278.3, NM_201281.3); short protein forms R119G, R47G.
Identifiers: ClinVar variation 543386 (VCV000543386.9), dbSNP rs142774695, ClinGen allele CA226612327.